The following is an entry in ClinVar:

NM_005751.5(AKAP9):c.5870A>G (p.Asn1957Ser)

Gene: AKAP9 (A-kinase anchoring protein 9; plus strand). Cytogenetic location: 7q21.2.
Variant type: single nucleotide variant.
Coding change: c.5870A>G on transcript NM_005751.5 (MANE Select); coding-DNA position 5870, A replaced by G.
Protein change: p.Asn1957Ser; replaces asparagine 1957 with serine.
Molecular consequence: missense variant.
Genome position (GRCh38, 1-based): chr7:92,062,379, A>G. VCF-style: chr7-92062379-A-G. GRCh37 (hg19) VCF-style: chr7-91691693-A-G.
Other names: c.515A>G, p.Asn172Ser (NM_001379277.1); c.5870A>G, p.Asn1957Ser (NM_147185.3); short protein forms N172S, N1957S.
Identifiers: ClinVar variation 1172874 (VCV001172874.10), dbSNP rs767966419, ClinGen allele CA4336938.

ClinVar aggregate classification (germline): Conflicting classifications of pathogenicity. Review status: criteria provided, conflicting classifications (1 of 4 stars). 3 submissions from 3 submitters: Uncertain significance (1); Benign (1); Likely benign (1). Last evaluated 2025-11-26.

Conditions:
Long QT syndrome (LQTS). Identifiers: MedGen C0023976, MeSH D008133, MONDO:0002442. Disease mechanism: loss of function. Inheritance: Various modes of inheritance.
Cardiovascular phenotype. Identifiers: MedGen CN230736.

Allele frequency attached by ClinVar (database versions not stated): gnomAD exomes 0.00001 and 0.00006; gnomAD 0.00001; TOPMed 0.00003; ExAC 0.00004.
gnomAD v4.1: 24 of 1,613,826 alleles (0.0015%); highest among the groups gnomAD compares: Admixed American, 0.027%; no homozygotes.

Submissions (3):

Ambry Genetics
Classification: Benign for Cardiovascular phenotype. Last evaluated: 2025-11-26. Review status: criteria provided, single submitter. Criteria: Ambry Variant Classification Scheme 2023. Collection method: clinical testing. Allele origin: germline.

Labcorp Genetics (formerly Invitae), Labcorp
Classification: Uncertain significance for Long QT syndrome. Last evaluated: 2021-08-14. Review status: criteria provided, single submitter. Criteria: Invitae Variant Classification Sherloc (09022015). Collection method: clinical testing. Allele origin: germline.
Comment: This sequence change replaces asparagine with serine at codon 1957 of the AKAP9 protein (p.Asn1957Ser). The asparagine residue is moderately conserved and there is a small physicochemical difference between asparagine and serine. This variant is present in population databases (rs767966419, ExAC 0.04%). This variant has not been reported in the literature in individuals affected with AKAP9-related conditions. ClinVar contains an entry for this variant (Variation ID: 1172874). Algorithms developed to predict the effect of missense changes on protein structure and function output the following: SIFT: "Tolerated"; PolyPhen-2: "Benign"; Align-GVGD: "Class C0". The serine amino acid residue is found in multiple mammalian species, which suggests that this missense change does not adversely affect protein function. In summary, the available evidence is currently insufficient to determine the role of this variant in disease. Therefore, it has been classified as a Variant of Uncertain Significance.

Women's Health and Genetics/Laboratory Corporation of America, LabCorp
Classification: Likely benign. Last evaluated: 2021-06-14. Review status: criteria provided, single submitter. Criteria: LabCorp Variant Classification Summary - May 2015. Collection method: clinical testing. Allele origin: germline.
Comment: Variant summary: AKAP9 c.5870A>G (p.Asn1957Ser) results in a conservative amino acid change in the encoded protein sequence. Five of five in-silico tools predict a benign effect of the variant on protein function. The variant allele was found at a frequency of 5.6e-05 in 250918 control chromosomes, predominantly at a frequency of 0.0004 within the Latino subpopulation in the gnomAD database. The observed variant frequency within Latino control individuals in the gnomAD database is approximately 120 fold of the estimated maximal expected allele frequency for a pathogenic variant in AKAP9 causing Long QT Syndrome phenotype (3.3e-06), strongly suggesting that the variant is a benign polymorphism found primarily in populations of Latino origin. To our knowledge, no occurrence of c.5870A>G in individuals affected with Long QT Syndrome and no experimental evidence demonstrating its impact on protein function have been reported. No clinical diagnostic laboratories have submitted clinical-significance assessments for this variant to ClinVar after 2014. Based on the evidence outlined above, the variant was classified as likely benign.